The following is an entry in ClinVar:

ClinVar aggregate classification (germline): Uncertain significance (1 of 4 stars; one submission).

Submission:

Labcorp Genetics (formerly Invitae), Labcorp
Classification: Uncertain significance. Last evaluated: 2024-05-01. Review status: criteria provided, single submitter. Criteria: Invitae Variant Classification Sherloc (09022015). Collection method: clinical testing. Allele origin: germline.
Comment: This sequence change replaces histidine, which is basic and polar, with tyrosine, which is neutral and polar, at codon 680 of the SLC12A6 protein (p.His680Tyr). This variant is not present in population databases (gnomAD no frequency). This variant has not been reported in the literature in individuals affected with SLC12A6-related conditions. Advanced modeling of protein sequence and biophysical properties (such as structural, functional, and spatial information, amino acid conservation, physicochemical variation, residue mobility, and thermodynamic stability) performed at Invitae indicates that this missense variant is expected to disrupt SLC12A6 protein function with a positive predictive value of 80%. In summary, the available evidence is currently insufficient to determine the role of this variant in disease. Therefore, it has been classified as a Variant of Uncertain Significance.

NM_001365088.1(SLC12A6):c.2038C>T (p.His680Tyr)

Gene: SLC12A6 (solute carrier family 12 member 6; minus strand). Cytogenetic location: 15q14.
Variant type: single nucleotide variant.
Coding change: c.2038C>T on transcript NM_001365088.1 (MANE Select); coding-DNA position 2038, C replaced by T.
Protein change: p.His680Tyr; replaces histidine 680 with tyrosine.
Molecular consequence: missense variant.
Genome position (GRCh38, 1-based): chr15:34,243,978, G>A on the plus strand (C>T on the coding strand, the complement: SLC12A6 is on the minus strand). VCF-style: chr15-34243978-G-A. GRCh37 (hg19) VCF-style: chr15-34536179-G-A.
Other names: c.1861C>T, p.His621Tyr (NM_001042494.2, NM_001042495.2); c.2011C>T, p.His671Tyr (NM_001042496.2); c.1993C>T, p.His665Tyr (NM_001042497.2); c.1885C>T, p.His629Tyr (NM_005135.2); c.2038C>T, p.His680Tyr (NM_133647.2); short protein forms H621Y, H665Y, H680Y, H629Y, H671Y.
Identifiers: ClinVar variation 3651794 (VCV003651794.2).